The following is an entry in ClinVar:

ClinVar aggregate classification (germline): Likely benign. Review status: criteria provided, multiple submitters, no conflicts (2 of 4 stars). 3 submissions from 3 submitters: Likely benign (2). 1 of the submissions does not count toward it. Last evaluated 2026-01-08.

Conditions:
Meckel-Gruber syndrome. Also called: Dysencephalia splachnocystica; DYSENCEPHALIA SPLANCHNOCYSTICA; GRUBER SYNDROME. Identifiers: Orphanet 564, MedGen C0265215, MONDO:0018921.
Joubert syndrome. Also called: JOUBERT-BOLTSHAUSER SYNDROME; Familial aplasia of the vermis. Identifiers: Orphanet 475, MedGen C5979921, MONDO:0018772.
TCTN2-related disorder. Also called: TCTN2-related disorders; TCTN2-related condition. Identifiers: MedGen CN239412.

Allele frequency attached by ClinVar (database versions not stated): ESP Exome Variant Server 0.00015.
gnomAD v4.1: 210 of 1,614,106 alleles (0.013%); highest among the groups gnomAD compares: Non-Finnish European, 0.017%; no homozygotes.

Submissions (3):

Labcorp Genetics (formerly Invitae), Labcorp
Classification: Likely benign for Joubert syndrome; Meckel-Gruber syndrome. Last evaluated: 2026-01-08. Review status: criteria provided, single submitter. Criteria: Invitae Variant Classification Sherloc (09022015). Collection method: clinical testing. Allele origin: germline.

Blueprint Genetics
Classification: Likely benign. Last evaluated: 2024-10-28. Review status: criteria provided, single submitter. Criteria: ACMG Guidelines, 2015. Collection method: clinical testing. Allele origin: germline.

PreventionGenetics, part of Exact Sciences
Classification: Likely benign for TCTN2-related condition. Last evaluated: 2019-09-04. Review status: no assertion criteria provided. Collection method: clinical testing. Allele origin: germline. Not counted in ClinVar's aggregate classification.
Comment: This variant is classified as likely benign based on ACMG/AMP sequence variant interpretation guidelines (Richards et al. 2015 PMID: 25741868, with internal and published modifications).

NM_024809.5(TCTN2):c.282G>C (p.Val94=)

Gene: TCTN2 (tectonic family member 2; plus strand). Cytogenetic location: 12q24.31.
Variant type: single nucleotide variant.
Coding change: c.282G>C on transcript NM_024809.5 (MANE Select); coding-DNA position 282, G replaced by C.
Protein change: p.Val94=; no amino-acid change (valine 94 retained).
Molecular consequence: synonymous variant.
Genome position (GRCh38, 1-based): chr12:123,673,629, G>C. VCF-style: chr12-123673629-G-C. GRCh37 (hg19) VCF-style: chr12-124158176-G-C.
Other names: c.282G>C (NM_024809.4); c.279G>C, p.Val93= (NM_001143850.3).
Identifiers: ClinVar variation 1559323 (VCV001559323.14), dbSNP rs146257198, ClinGen allele CA6860858.